The following is an entry in ClinVar:

NM_001048174.2(MUTYH):c.917C>A (p.Pro306His)

Gene: MUTYH (mutY DNA glycosylase; minus strand). Cytogenetic location: 1p34.1.
Variant type: single nucleotide variant.
Coding change: c.917C>A on transcript NM_001048174.2 (MANE Select); coding-DNA position 917, C replaced by A.
Protein change: p.Pro306His; replaces proline 306 with histidine.
Molecular consequence: missense variant. On other transcripts: non-coding transcript variant (7).
Genome position (GRCh38, 1-based): chr1:45,331,846, G>T on the plus strand (C>A on the coding strand, the complement: MUTYH is on the minus strand). VCF-style: chr1-45331846-G-T. GRCh37 (hg19) VCF-style: chr1-45797518-G-T.
Other names: c.917C>A, p.Pro306His (NM_001048171.2, NM_001048173.2, NM_001407088.1 and 6 more transcripts); c.920C>A, p.Pro307His (NM_001048172.2, NM_001407086.1, NM_001407078.1 and 1 more transcripts); c.1001C>A, p.Pro334His (NM_001128425.2); c.962C>A, p.Pro321His (NM_001293190.2); c.959C>A, p.Pro320His (NM_001407083.1, NM_001407085.1); c.938C>A, p.Pro313His (NM_001407087.1); c.641C>A, p.Pro214His (NM_001407091.1, NM_001293192.2, NM_001293196.2); c.992C>A, p.Pro331His (NM_012222.3); and 5 more; short protein forms P313H, P317H, P214H, P306H, P191H, P278H, P292H, P307H.
Identifiers: ClinVar variation 4112906 (VCV004112906.1).

ClinVar aggregate classification (germline): Uncertain significance (1 of 4 stars; one submission).

Conditions:
Hereditary cancer-predisposing syndrome. Also called: Tumor predisposition; Neoplastic Syndromes, Hereditary; Hereditary neoplastic syndrome; Hereditary Cancer Syndrome. Identifiers: Orphanet 140162, MedGen C0027672, MeSH D009386, MONDO:0015356.

Submission:

Ambry Genetics
Classification: Uncertain significance for Hereditary cancer-predisposing syndrome. Last evaluated: 2025-08-27. Review status: criteria provided, single submitter. Criteria: Ambry Variant Classification Scheme 2023. Collection method: clinical testing. Allele origin: germline.
Comment: The p.P334H variant (also known as c.1001C>A), located in coding exon 12 of the MUTYH gene, results from a C to A substitution at nucleotide position 1001. The proline at codon 334 is replaced by histidine, an amino acid with similar properties. This amino acid position is conserved. In addition, this alteration is predicted to be tolerated by in silico analysis. Based on the available evidence, the clinical significance of this variant remains unclear.